The following is an entry in ClinVar:

NM_005359.6(SMAD4):c.1139+3A>G

Gene: SMAD4 (SMAD family member 4; plus strand). Cytogenetic location: 18q21.2.
Variant type: single nucleotide variant.
Coding change: c.1139+3A>G on transcript NM_005359.6 (MANE Select); 3 bases into the intron after coding-DNA position 1139, A replaced by G.
Molecular consequence: intron variant.
Genome position (GRCh38, 1-based): chr18:51,065,609, A>G. VCF-style: chr18-51065609-A-G. GRCh37 (hg19) VCF-style: chr18-48591979-A-G.
Identifiers: ClinVar variation 185983 (VCV000185983.14), dbSNP rs786202607, ClinGen allele CA193562.
Genomic context (GRCh38, chr18:51,065,609, plus strand): 5'-GCTTTTGTTTGGGTCAACTCTCCAATGTCCACAGGACAGAAGCCATTGAGAGAGCAAGGT[A>G]TTGATTGTATAGTCAGATAGTTACTTTAAAAAATTGAGCATAGTACATTGTCTTTTATTC-3'

ClinVar aggregate classification (germline): Uncertain significance. Review status: criteria provided, multiple submitters, no conflicts (2 of 4 stars). 2 submissions from 2 submitters: Uncertain significance (2). Last evaluated 2026-03-25.

Conditions:
Juvenile polyposis syndrome (JPS). Identifiers: Orphanet 2929, MedGen C0345893, MONDO:0017380, OMIM 174900.
Familial thoracic aortic aneurysm and aortic dissection (TAAD). Also called: Thoracic aortic aneurysms and dissections. Identifiers: Orphanet 91387, MedGen C4707243, MONDO:0019625.
Hereditary cancer-predisposing syndrome. Also called: Tumor predisposition; Hereditary Cancer Syndrome; Hereditary neoplastic syndrome; Neoplastic Syndromes, Hereditary. Identifiers: Orphanet 140162, MedGen C0027672, MeSH D009386, MONDO:0015356.

Submissions (2):

Ambry Genetics
Classification: Uncertain significance for Hereditary cancer-predisposing syndrome; Familial thoracic aortic aneurysm and aortic dissection. Last evaluated: 2026-03-25. Review status: criteria provided, single submitter. Criteria: Ambry Variant Classification Scheme 2023. Collection method: clinical testing. Allele origin: germline.
Comment: The c.1139+3A>G intronic variant results from an A to G substitution 3 nucleotides after coding exon 8 in the SMAD4 gene. This nucleotide position is highly conserved in available vertebrate species. In silico splice site analysis predicts that this alteration will weaken the native splice donor site. Based on the available evidence, the clinical significance of this variant remains unclear.

Labcorp Genetics (formerly Invitae), Labcorp
Classification: Uncertain significance for Juvenile polyposis syndrome. Last evaluated: 2019-02-15. Review status: criteria provided, single submitter. Criteria: Invitae Variant Classification Sherloc (09022015). Collection method: clinical testing. Allele origin: germline.
Comment: This sequence change falls in intron 9 of the SMAD4 gene. It does not directly change the encoded amino acid sequence of the SMAD4 protein, but it affects a nucleotide within the consensus splice site of the intron. This variant is not present in population databases (ExAC no frequency). In summary, the available evidence is currently insufficient to determine the role of this variant in disease. Therefore, it has been classified as a Variant of Uncertain Significance. Nucleotide substitutions within the consensus splice site are a relatively common cause of aberrant splicing (PMID: 17576681, 9536098). Algorithms developed to predict the effect of sequence changes on RNA splicing suggest that this variant may disrupt the consensus splice site, but this prediction has not been confirmed by published transcriptional studies. This variant has not been reported in the literature in individuals with SMAD4-related conditions. ClinVar contains an entry for this variant (Variation ID: 185983).

Literature cited by the submitters: PubMed 17576681 (cited by Labcorp Genetics (formerly Invitae), Labcorp); PubMed 9536098 (cited by Labcorp Genetics (formerly Invitae), Labcorp).